The following is an entry in ClinVar:

ClinVar aggregate classification (germline): Likely pathogenic (1 of 4 stars; one submission).

Conditions:
Xeroderma pigmentosum, group C (XPC). Also called: Xeroderma pigmentosum, complementation group C; XPC-Related Xeroderma Pigmentosum; XERODERMA PIGMENTOSUM III; XP, GROUP C. Identifiers: Orphanet 910, MedGen C2752147, MONDO:0010211, OMIM 278720.

Submission:

Myriad Genetics, Inc.
Classification: Likely pathogenic for Xeroderma pigmentosum, group C. Last evaluated: 2025-05-15. Review status: criteria provided, single submitter. Criteria: Myriad Autosomal Dominant, Autosomal Recessive and X-Linked Classification Criteria (2023). Collection method: clinical testing. Allele origin: unknown.
Comment: NM_004628.4(XPC):c.780-1G>C is a variant in a canonical splice site classified as likely pathogenic in the context of xeroderma pigmentosum group C. c.780-1G>C has not been observed in cases with relevant disease. Relevant functional assessments of this variant are not available in the literature. c.780-1G>C has not been observed in referenced population frequency databases. In summary, NM_004628.4(XPC):c.780-1G>C is a variant in a canonical splice site in a gene where loss of function is a known mechanism of disease and is predicted to disrupt protein function. Please note: this variant was assessed in the context of healthy population screening.

NM_004628.5(XPC):c.780-1G>C

Gene: XPC (XPC complex subunit, DNA damage recognition and repair factor; minus strand). Cytogenetic location: 3p25.1.
Variant type: single nucleotide variant.
Coding change: c.780-1G>C on transcript NM_004628.5 (MANE Select); the canonical splice acceptor site of the intron before coding-DNA position 780, G replaced by C.
Molecular consequence: splice acceptor variant.
Genome position (GRCh38, 1-based): chr3:14,164,934, C>G on the plus strand (G>C on the coding strand, the complement: XPC is on the minus strand). VCF-style: chr3-14164934-C-G. GRCh37 (hg19) VCF-style: chr3-14206434-C-G.
Other names: c.762-1G>C (NM_001354729.2); c.201-1G>C (NM_001354726.2); c.780-1G>C (NM_001354730.2, NM_001354727.2).
Identifiers: ClinVar variation 4081831 (VCV004081831.1).
Genomic context (GRCh38, chr3:14,164,934, plus strand): 5'-TGCAGGTTATCTTGTTCACTGGCTGAAAGTTCTGCATTAACTGTAAATGTTCCAATGAAC[C>G]TGGGGAGAAAGCAGGCATTCCTTGTGTCAGAGGTCAGGGCAAAGGGGAATTTTCATTTCC-3'